The following is an entry in ClinVar:

NM_178229.5(IQGAP3):c.3507+5G>A

Gene: IQGAP3 (IQ motif containing GTPase activating protein 3; minus strand). Cytogenetic location: 1q22.
Variant type: single nucleotide variant.
Coding change: c.3507+5G>A on transcript NM_178229.5 (MANE Select); 5 bases into the intron after coding-DNA position 3507, G replaced by A.
Molecular consequence: intron variant.
Genome position (GRCh38, 1-based): chr1:156,535,158, C>T on the plus strand (G>A on the coding strand, the complement: IQGAP3 is on the minus strand). VCF-style: chr1-156535158-C-T. GRCh37 (hg19) VCF-style: chr1-156504950-C-T.
Identifiers: ClinVar variation 3034730 (VCV003034730.2), dbSNP rs778363628, ClinGen allele CA1161005.
Genomic context (GRCh38, chr1:156,535,158, plus strand): 5'-GGGATTGCAGGTACCAGCAAAGCAAAGGAGGGATTGGGAGGTGGGGGTGGGGAGACAACA[C>T]TTGCCTTATAGACCTCGCTGTCTGTGGCGTCAGGGAATTTCTCTGCCAGAGTTGCCTTCA-3'

ClinVar aggregate classification (germline): Likely benign (0 of 4 stars; one submission).

Conditions:
IQGAP3-related disorder. Also called: IQGAP3-related condition.

Allele frequency attached by ClinVar (database versions not stated): ExAC 0.00001; TOPMed 0.00001; gnomAD 0.00004; gnomAD exomes 0.00004.
gnomAD v4.1: 56 of 1,610,242 alleles (0.0035%); highest among the groups gnomAD compares: Non-Finnish European, 0.0048%; no homozygotes.

Submission:

PreventionGenetics, part of Exact Sciences
Classification: Likely benign for IQGAP3-related condition. Last evaluated: 2019-08-06. Review status: no assertion criteria provided. Collection method: clinical testing. Allele origin: germline.
Comment: This variant is classified as likely benign based on ACMG/AMP sequence variant interpretation guidelines (Richards et al. 2015 PMID: 25741868, with internal and published modifications).